The following is an entry in ClinVar:

ClinVar aggregate classification (germline): Pathogenic. Review status: criteria provided, multiple submitters, no conflicts (2 of 4 stars). 5 submissions from 5 submitters: Pathogenic (4). 1 of the submissions does not count toward it. Last evaluated 2024-10-18.

Conditions:
Cobalamin C disease. Also called: Cobalamin-C methylmalonic acidemia and homocystinuria; Methylmalonic acidemia and homocystinuria cblC type; methylmalonic aciduria and homocystinuria type cblC; Methylmalonic aciduria and homocystinuria, Vitamin B12-responsive; Vitamin B12 metabolic defect with combined deficiency of methylmalonyl-CoA mutase and homocysteine:methyltetrahydrofolate methyltransferase; Methylmalonic aciduria with homocystinuria cblC type. Identifiers: Orphanet 26, Orphanet 79282, MedGen C1848561, MONDO:0010184, OMIM 277400.
METHYLMALONIC ACIDURIA AND HOMOCYSTINURIA, cblC TYPE, DIGENIC. Identifiers: MedGen C4693974, OMIM 277400.

Allele frequency attached by ClinVar (database versions not stated): TOPMed 0.00001; gnomAD exomes 0.00003 and 0.00004; ExAC 0.00006.
gnomAD v4.1: 42 of 1,611,980 alleles (0.0026%); highest among the groups gnomAD compares: Middle Eastern, 0.017%; no homozygotes.

Submissions (5):

Revvity Omics, Revvity
Classification: Pathogenic for Cobalamin C disease. Last evaluated: 2024-10-18. Review status: criteria provided, single submitter. Criteria: ACMG Guidelines, 2015. Collection method: clinical testing. Allele origin: germline.

Genome-Nilou Lab
Classification: Pathogenic for Cobalamin C disease. Last evaluated: 2023-04-11. Review status: criteria provided, single submitter. Criteria: ACMG Guidelines, 2015. Collection method: clinical testing. Allele origin: germline. Affected: no.

Labcorp Genetics (formerly Invitae), Labcorp
Classification: Pathogenic. Last evaluated: 2022-05-21. Review status: criteria provided, single submitter. Criteria: Invitae Variant Classification Sherloc (09022015). Collection method: clinical testing. Allele origin: germline.
Comment: For these reasons, this variant has been classified as Pathogenic. Variants that disrupt the consensus splice site are a relatively common cause of aberrant splicing (PMID: 17576681, 9536098). Studies have shown that this variant results in skipping of PRDX1 exon 6 and aberrant antisense transcription that results in MMACHC promoter hypermethylation and MMACHC silencing (PMID: 29302025). ClinVar contains an entry for this variant (Variation ID: 495209). This variant has been observed in individual(s) with epi-cobalamin C deficiency (PMID: 29302025, 32099815, 34215320). In at least one individual the data is consistent with being in trans (on the opposite chromosome) from a pathogenic variant in the MMACHC gene. This variant is present in population databases (rs751828470, gnomAD 0.009%). This sequence change falls in intron 5 of the PRDX1 gene. It does not directly change the encoded amino acid sequence of the PRDX1 protein. RNA analysis indicates that this variant induces altered splicing and likely disrupts the C-terminus of the protein.

CeGaT Center for Human Genetics Tuebingen
Classification: Pathogenic. Last evaluated: 2021-11-01. Review status: criteria provided, single submitter. Criteria: CeGaT Center For Human Genetics Tuebingen Variant Classification Criteria Version 2. Collection method: clinical testing. Allele origin: germline. Affected: yes. Observed: 1 variant allele.

OMIM
Classification: Pathogenic for METHYLMALONIC ACIDURIA AND HOMOCYSTINURIA, cblC TYPE, DIGENIC. Last evaluated: 2022-11-03. Review status: no assertion criteria provided. Collection method: literature only. Allele origin: germline. Not counted in ClinVar's aggregate classification.

Literature cited by the submitters: PubMed 17576681 (cited by Labcorp Genetics (formerly Invitae), Labcorp); PubMed 9536098 (cited by Labcorp Genetics (formerly Invitae), Labcorp); PubMed 29302025 (cited by Labcorp Genetics (formerly Invitae), Labcorp); PubMed 32099815 (cited by Labcorp Genetics (formerly Invitae), Labcorp); PubMed 34215320 (cited by Labcorp Genetics (formerly Invitae), Labcorp); PubMed 35190856 (cited by OMIM).

NM_181697.3(PRDX1):c.515-1G>T

Genes: MMACHC (metabolism of cobalamin associated C; plus strand), PRDX1 (peroxiredoxin 1; minus strand). Cytogenetic location: 1p34.1.
Variant type: single nucleotide variant.
Coding change: c.515-1G>T on transcript NM_181697.3 (MANE Select); the canonical splice acceptor site of the intron before coding-DNA position 515, G replaced by T.
Molecular consequence: splice acceptor variant. On other transcripts: 3 prime UTR variant (2).
Genome position (GRCh38, 1-based): chr1:45,511,415, C>A on the plus strand (G>T on the coding strand, the complement: PRDX1 is on the minus strand). VCF-style: chr1-45511415-C-A. GRCh37 (hg19) VCF-style: chr1-45977087-C-A.
Other names: IVS5AS, G-T, -1; c.*2200C>A (NM_001330540.2, NM_015506.3); c.515-1G>T (NM_001202431.2, NM_181696.3, NM_002574.4 and 1 more transcripts).
Identifiers: ClinVar variation 495209 (VCV000495209.43), dbSNP rs751828470, ClinGen allele CA827919.
Genomic context (GRCh38, chr1:45,511,415, plus strand): 5'-TGCTCTTTTGGACATCAGGCTTGATGGTATCACTGCCAGGTTTCCAGCCAGCTGGGCACA[C>A]TGCAAGAGAAAGGCACCACTAATTAATAACCTTCTCAATGGTATGCACCACCATTCTCCT-3'